The following is an entry in ClinVar:

NM_004006.3(DMD):c.6869A>T (p.Lys2290Ile)

Gene: DMD (dystrophin; minus strand). Cytogenetic location: Xp21.1.
Variant type: single nucleotide variant.
Coding change: c.6869A>T on transcript NM_004006.3 (MANE Select); coding-DNA position 6869, A replaced by T.
Protein change: p.Lys2290Ile; replaces lysine 2290 with isoleucine.
Molecular consequence: missense variant. On other transcripts: 5 prime UTR variant (5).
Genome position (GRCh38, 1-based): chrX:31,929,639, T>A on the plus strand (A>T on the coding strand, the complement: DMD is on the minus strand). VCF-style: chrX-31929639-T-A. GRCh37 (hg19) VCF-style: chrX-31947756-T-A.
Other names: c.6845A>T, p.Lys2282Ile (NM_000109.4); c.6857A>T, p.Lys2286Ile (NM_004009.3); c.6500A>T, p.Lys2167Ile (NM_004010.3); c.2846A>T, p.Lys949Ile (NM_004011.4); c.2837A>T, p.Lys946Ile (NM_004012.4); c.-512A>T (NM_004013.3, NM_004020.4, NM_004021.3 and 2 more transcripts); short protein forms K2167I, K2282I, K2286I, K2290I, K946I, K949I.
Identifiers: ClinVar variation 3223661 (VCV003223661.1), dbSNP rs2533416920, ClinGen allele CA412657847.

ClinVar aggregate classification (germline): Uncertain significance (1 of 4 stars; one submission).

Conditions:
Cardiovascular phenotype. Identifiers: MedGen CN230736.

Submission:

Ambry Genetics
Classification: Uncertain significance for Cardiovascular phenotype. Last evaluated: 2023-09-21. Review status: criteria provided, single submitter. Criteria: Ambry Variant Classification Scheme 2023. Collection method: clinical testing. Allele origin: germline.
Comment: The p.K2290I variant (also known as c.6869A>T), located in coding exon 47 of the DMD gene, results from an A to T substitution at nucleotide position 6869. The lysine at codon 2290 is replaced by isoleucine, an amino acid with dissimilar properties. This amino acid position is well conserved in available vertebrate species. In addition, this alteration is predicted to be tolerated by in silico analysis. Since supporting evidence is limited at this time, the clinical significance of this alteration remains unclear.